The following is an entry in ClinVar:

NM_001127222.2(CACNA1A):c.2617G>T (p.Gly873Cys)

Gene: CACNA1A (calcium voltage-gated channel subunit alpha1 A; minus strand). Cytogenetic location: 19p13.13.
Variant type: single nucleotide variant.
Coding change: c.2617G>T on transcript NM_001127222.2 (MANE Select); coding-DNA position 2617, G replaced by T.
Protein change: p.Gly873Cys; replaces glycine 873 with cysteine.
Molecular consequence: missense variant.
Genome position (GRCh38, 1-based): chr19:13,299,016, C>A on the plus strand (G>T on the coding strand, the complement: CACNA1A is on the minus strand). VCF-style: chr19-13299016-C-A. GRCh37 (hg19) VCF-style: chr19-13409830-C-A.
Other names: c.2629G>T, p.Gly877Cys (NM_000068.4, NM_023035.3); c.2620G>T, p.Gly874Cys (NM_001127221.2, NM_001174080.2); short protein forms G873C, G874C, G877C.
Identifiers: ClinVar variation 3369786 (VCV003369786.1).

ClinVar aggregate classification (germline): Uncertain significance (1 of 4 stars; one submission).

gnomAD v4.1: 4 of 1,588,332 alleles (0.00025%); highest among the groups gnomAD compares: African/African-American, 0.0054%; no homozygotes.

Submission:

GeneDx
Classification: Uncertain significance. Last evaluated: 2024-04-26. Review status: criteria provided, single submitter. Criteria: GeneDx Variant Classification Process June 2021. Collection method: clinical testing. Allele origin: germline. Affected: yes.
Comment: In silico analysis supports that this missense variant has a deleterious effect on protein structure/function; Has not been previously published as pathogenic or benign to our knowledge